The following is an entry in ClinVar:

NM_000264.5(PTCH1):c.1073A>G (p.His358Arg)

Gene: PTCH1 (patched 1; minus strand). Cytogenetic location: 9q22.32.
Variant type: single nucleotide variant.
Coding change: c.1073A>G on transcript NM_000264.5 (MANE Select); coding-DNA position 1073, A replaced by G.
Protein change: p.His358Arg; replaces histidine 358 with arginine.
Molecular consequence: missense variant. On other transcripts: non-coding transcript variant (1).
Genome position (GRCh38, 1-based): chr9:95,479,142, T>C on the plus strand (A>G on the coding strand, the complement: PTCH1 is on the minus strand). VCF-style: chr9-95479142-T-C. GRCh37 (hg19) VCF-style: chr9-98241424-T-C.
Other names: c.875A>G, p.His292Arg (NM_001083602.3); c.1070A>G, p.His357Arg (NM_001083603.3); c.620A>G, p.His207Arg (NM_001083604.3, NM_001083605.3, NM_001083606.3 and 1 more transcripts); c.1073A>G, p.His358Arg (NM_001354918.2); short protein forms H357R, H207R, H292R, H358R.
Identifiers: ClinVar variation 2564383 (VCV002564383.2), dbSNP rs2538217962, ClinGen allele CA374119533.

ClinVar aggregate classification (germline): Uncertain significance (1 of 4 stars; one submission).

Conditions:
Hereditary cancer-predisposing syndrome. Also called: Neoplastic Syndromes, Hereditary; Hereditary Cancer Syndrome; Hereditary neoplastic syndrome; Tumor predisposition. Identifiers: Orphanet 140162, MedGen C0027672, MeSH D009386, MONDO:0015356.

Submission:

Ambry Genetics
Classification: Uncertain significance for Hereditary cancer-predisposing syndrome. Last evaluated: 2023-04-24. Review status: criteria provided, single submitter. Criteria: Ambry Variant Classification Scheme 2023. Collection method: clinical testing. Allele origin: germline.
Comment: The p.H358R variant (also known as c.1073A>G), located in coding exon 8 of the PTCH1 gene, results from an A to G substitution at nucleotide position 1073. The histidine at codon 358 is replaced by arginine, an amino acid with highly similar properties. This amino acid position is conserved. In addition, the in silico prediction for this alteration is inconclusive. Since supporting evidence is limited at this time, the clinical significance of this alteration remains unclear.